The following is an entry in ClinVar:

NM_001369.3(DNAH5):c.8092_8097del (p.Val2698_Asp2699del)

Gene: DNAH5 (dynein axonemal heavy chain 5; minus strand). Cytogenetic location: 5p15.2.
Variant type: Deletion.
Coding change: c.8092_8097del on transcript NM_001369.3 (MANE Select); coding-DNA positions 8092 to 8097, 6 bases deleted (GTGGAC; older notation c.8092_8097delGTGGAC).
Protein change: p.Val2698_Asp2699del.
Molecular consequence: inframe deletion.
Genome position (GRCh38, 1-based): chr5:13,793,642-13,793,647, GTCCAC deleted on the plus strand (GTGGAC on the coding strand, the reverse complement: DNAH5 is on the minus strand); deleting any 6 consecutive bases within chr5:13,793,642-13,793,648 gives the same sequence; the c. name uses the placement nearest the transcript's 3' end. VCF-style (leftmost placement, unchanged base first): chr5-13793641-TGTCCAC-T. GRCh37 (hg19) VCF-style: chr5-13793750-TGTCCAC-T.
Identifiers: ClinVar variation 1344591 (VCV001344591.8), dbSNP rs1757363484, ClinGen allele CA1528441681.
Genomic context (GRCh38, chr5:13,793,641, plus strand): 5'-GTCTTTGGGGTATGTCATTGCGTCCACCACCAGGATGGATCATGGCTGCCAAAAACTGGA[TGTCCAC>T]GATGCTGGTGAACTCCCCAGGCTTCTCTAGATTATAGAATCCATTTTGTTCCATCAGCTG-3'

ClinVar aggregate classification (germline): Likely pathogenic. Review status: criteria provided, single submitter (1 of 4 stars). 2 submissions from 2 submitters: Likely pathogenic (1). 1 of the submissions does not count toward it. Last evaluated 2021-09-02.

Conditions:
Primary ciliary dyskinesia. Also called: Ciliary dyskinesia. Identifiers: Orphanet 244, MedGen C0008780, MONDO:0016575, HP:0012265.

Submissions (2):

Labcorp Genetics (formerly Invitae), Labcorp
Classification: Likely pathogenic for Primary ciliary dyskinesia. Last evaluated: 2021-09-02. Review status: criteria provided, single submitter. Criteria: Invitae Variant Classification Sherloc (09022015). Collection method: clinical testing. Allele origin: germline.
Comment: In summary, the currently available evidence indicates that the variant is pathogenic, but additional data are needed to prove that conclusively. Therefore, this variant has been classified as Likely Pathogenic. This variant, c.8092_8097del, results in the deletion of 2 amino acid(s) of the DNAH5 protein (p.Val2698_Asp2699del), but otherwise preserves the integrity of the reading frame. This variant is not present in population databases (ExAC no frequency). This variant has been observed in individual(s) with primary ciliary dyskinesia (PMID: 30067075; Invitae). In at least one individual the data is consistent with the variant being in trans (on the opposite chromosome) from a pathogenic variant. It has also been observed to segregate with disease in related individuals. Experimental studies and prediction algorithms are not available or were not evaluated, and the functional significance of this variant is currently unknown.

Yale Center for Mendelian Genomics, Yale University
Classification: Likely pathogenic for Primary ciliary dyskinesia. Last evaluated: 2018-08-01. Review status: no assertion criteria provided. Collection method: literature only. Allele origin: germline. Affected: yes. Observed: 1 compound heterozygote. Study: Yale Center for Mendelian Genomics. Not counted in ClinVar's aggregate classification.

Literature cited by the submitters: PubMed 30067075 (cited by Labcorp Genetics (formerly Invitae), Labcorp and Yale Center for Mendelian Genomics, Yale University).